The following is an entry in ClinVar:

ClinVar aggregate classification (germline): Conflicting classifications of pathogenicity. Review status: criteria provided, conflicting classifications (1 of 4 stars). 2 submissions from 2 submitters: Uncertain significance (1); Likely benign (1). Last evaluated 2024-02-23.

Conditions:
Familial cancer of breast. Also called: BREAST CANCER, FAMILIAL; Hereditary breast cancer; hereditary breast carcinoma. Identifiers: Orphanet 227535, MedGen C0346153, MONDO:0016419, OMIM 114480. Disease mechanism: loss of function.
Hereditary cancer-predisposing syndrome. Also called: Hereditary Cancer Syndrome; Neoplastic Syndromes, Hereditary; Tumor predisposition; Hereditary neoplastic syndrome. Identifiers: Orphanet 140162, MedGen C0027672, MeSH D009386, MONDO:0015356.

Submissions (2):

Ambry Genetics
Classification: Likely benign for Hereditary cancer-predisposing syndrome. Last evaluated: 2024-02-23. Review status: criteria provided, single submitter. Criteria: Ambry Variant Classification Scheme 2023. Collection method: clinical testing. Allele origin: germline.

Labcorp Genetics (formerly Invitae), Labcorp
Classification: Uncertain significance for Familial cancer of breast. Last evaluated: 2022-07-06. Review status: criteria provided, single submitter. Criteria: Invitae Variant Classification Sherloc (09022015). Collection method: clinical testing. Allele origin: germline.
Comment: In summary, the available evidence is currently insufficient to determine the role of this variant in disease. Therefore, it has been classified as a Variant of Uncertain Significance. Algorithms developed to predict the effect of missense changes on protein structure and function output the following: SIFT: "Tolerated"; PolyPhen-2: "Benign"; Align-GVGD: "Class C0". The aspartic acid amino acid residue is found in multiple mammalian species, which suggests that this missense change does not adversely affect protein function. ClinVar contains an entry for this variant (Variation ID: 481400). This variant has not been reported in the literature in individuals affected with BARD1-related conditions. This variant is not present in population databases (gnomAD no frequency). This sequence change replaces asparagine, which is neutral and polar, with aspartic acid, which is acidic and polar, at codon 73 of the BARD1 protein (p.Asn73Asp).

NM_000465.4(BARD1):c.217A>G (p.Asn73Asp)

Gene: BARD1 (BRCA1 associated RING domain 1; minus strand). Cytogenetic location: 2q35.
Variant type: single nucleotide variant.
Coding change: c.217A>G on transcript NM_000465.4 (MANE Select); coding-DNA position 217, A replaced by G.
Protein change: p.Asn73Asp; replaces asparagine 73 with aspartic acid.
Molecular consequence: missense variant. On other transcripts: non-coding transcript variant (1), intron variant (2).
Genome position (GRCh38, 1-based): chr2:214,792,444, T>C on the plus strand (A>G on the coding strand, the complement: BARD1 is on the minus strand). VCF-style: chr2-214792444-T-C. GRCh37 (hg19) VCF-style: chr2-215657168-T-C.
Other names: c.160A>G, p.Asn54Asp (NM_001282543.2); c.217A>G, p.Asn73Asp (NM_001282549.2); c.158+16968A>G (NM_001282548.2); c.215+4617A>G (NM_001282545.2); short protein forms N73D, N54D.
Identifiers: ClinVar variation 481400 (VCV000481400.10), dbSNP rs1553624840, ClinGen allele CA350461340.